The following is an entry in ClinVar:

ClinVar aggregate classification (germline): Uncertain significance (1 of 4 stars; one submission).

Conditions:
Meckel-Gruber syndrome. Also called: DYSENCEPHALIA SPLANCHNOCYSTICA; GRUBER SYNDROME; Dysencephalia splachnocystica. Identifiers: Orphanet 564, MedGen C0265215, MONDO:0018921.
Joubert syndrome. Also called: CEREBELLOPARENCHYMAL DISORDER IV; JOUBERT-BOLTSHAUSER SYNDROME; Familial aplasia of the vermis. Identifiers: Orphanet 475, MedGen C5979921, MONDO:0018772.

Submission:

Labcorp Genetics (formerly Invitae), Labcorp
Classification: Uncertain significance for Joubert syndrome; Meckel-Gruber syndrome. Last evaluated: 2022-08-16. Review status: criteria provided, single submitter. Criteria: Invitae Variant Classification Sherloc (09022015). Collection method: clinical testing. Allele origin: germline.
Comment: In summary, the available evidence is currently insufficient to determine the role of this variant in disease. Therefore, it has been classified as a Variant of Uncertain Significance. Variants that disrupt the consensus splice site are a relatively common cause of aberrant splicing (PMID: 17576681, 9536098). Algorithms developed to predict the effect of sequence changes on RNA splicing suggest that this variant may disrupt the consensus splice site. ClinVar contains an entry for this variant (Variation ID: 1499999). This variant has not been reported in the literature in individuals affected with RPGRIP1L-related conditions. This variant is not present in population databases (gnomAD no frequency). This sequence change falls in intron 23 of the RPGRIP1L gene. It does not directly change the encoded amino acid sequence of the RPGRIP1L protein. It affects a nucleotide within the consensus splice site.

Literature cited by the submitters: PubMed 17576681; PubMed 9536098.

NM_015272.5(RPGRIP1L):c.3432+4A>G

Gene: RPGRIP1L (RPGRIP1 like; minus strand). Cytogenetic location: 16q12.2.
Variant type: single nucleotide variant.
Coding change: c.3432+4A>G on transcript NM_015272.5 (MANE Select); 4 bases into the intron after coding-DNA position 3432, A replaced by G.
Molecular consequence: intron variant.
Genome position (GRCh38, 1-based): chr16:53,622,215, T>C on the plus strand (A>G on the coding strand, the complement: RPGRIP1L is on the minus strand). VCF-style: chr16-53622215-T-C. GRCh37 (hg19) VCF-style: chr16-53656127-T-C.
Other names: c.3193-3007A>G (NM_001127897.4); c.3330+4A>G (NM_001330538.2); c.3295-3007A>G (NM_001308334.3).
Identifiers: ClinVar variation 1499999 (VCV001499999.6), dbSNP rs1449225904, ClinGen allele CA622262962.
Genomic context (GRCh38, chr16:53,622,215, plus strand): 5'-GAGTTTGAGACCAGCATGGCCAACATAGTGAAACCCCGTCTCTGCTAAAATTACAAAAAA[T>C]TACCTGGGTGTGGTGGCAGGCACCTGTAATCCCATCTACTTGGGAGGCTGAGGCAGGAAA-3'